The following is an entry in ClinVar:

ClinVar aggregate classification (germline): Uncertain significance (1 of 4 stars; one submission).

Conditions:
Fanconi anemia (FA). Also called: Fanconi's anemia. Identifiers: Orphanet 84, MedGen C0015625, MeSH D005199, MONDO:0019391.

Allele frequency attached by ClinVar (database versions not stated): gnomAD exomes below 0.00001.
gnomAD v4.1: 1 of 1,614,206 alleles (0.000062%); highest among the groups gnomAD compares: African/African-American, 0.0013%; no homozygotes.

Submission:

Labcorp Genetics (formerly Invitae), Labcorp
Classification: Uncertain significance for Fanconi anemia. Last evaluated: 2021-08-20. Review status: criteria provided, single submitter. Criteria: Invitae Variant Classification Sherloc (09022015). Collection method: clinical testing. Allele origin: germline.
Comment: This sequence change replaces isoleucine with threonine at codon 371 of the FANCC protein (p.Ile371Thr). The isoleucine residue is highly conserved and there is a moderate physicochemical difference between isoleucine and threonine. This variant is not present in population databases (ExAC no frequency). This variant has not been reported in the literature in individuals affected with FANCC-related conditions. Algorithms developed to predict the effect of missense changes on protein structure and function (SIFT, PolyPhen-2, Align-GVGD) all suggest that this variant is likely to be disruptive. In summary, the available evidence is currently insufficient to determine the role of this variant in disease. Therefore, it has been classified as a Variant of Uncertain Significance.

NM_000136.3(FANCC):c.1112T>C (p.Ile371Thr)

Genes: AOPEP (aminopeptidase O (putative); plus strand), FANCC (FA complementation group C; minus strand). Cytogenetic location: 9q22.32.
Variant type: single nucleotide variant.
Coding change: c.1112T>C on transcript NM_000136.3 (MANE Select); coding-DNA position 1112, T replaced by C.
Protein change: p.Ile371Thr; replaces isoleucine 371 with threonine.
Molecular consequence: missense variant.
Genome position (GRCh38, 1-based): chr9:95,114,671, A>G on the plus strand (T>C on the coding strand, the complement: FANCC is on the minus strand). VCF-style: chr9-95114671-A-G. GRCh37 (hg19) VCF-style: chr9-97876953-A-G.
Other names: c.1112T>C, p.Ile371Thr (NM_001243743.2, NM_001243744.2); short protein forms I371T.
Identifiers: ClinVar variation 1010244 (VCV001010244.6), dbSNP rs2072242960, ClinGen allele CA374107992.